The following is an entry in ClinVar:

ClinVar aggregate classification (germline): Benign. Review status: criteria provided, multiple submitters, no conflicts (2 of 4 stars). 2 submissions from 2 submitters: Benign (2). Last evaluated 2018-06-16.

Allele frequency attached by ClinVar (database versions not stated): TOPMed 0.06482; gnomAD 0.06503 and 0.06811; 1000 Genomes Project 30x 0.08901; 1000 Genomes Project 0.09006.
gnomAD v4.1: 10,326 of 152,086 alleles (6.8%); highest among the groups gnomAD compares: South Asian, 18%; 433 homozygotes.

Submissions (2):

GeneDx
Classification: Benign. Last evaluated: 2018-06-16. Review status: criteria provided, single submitter. Criteria: GeneDx Variant Classification (06012015). Collection method: clinical testing. Allele origin: germline. Affected: yes.
Comment: This variant is considered likely benign or benign based on one or more of the following criteria: it is a conservative change, it occurs at a poorly conserved position in the protein, it is predicted to be benign by multiple in silico algorithms, and/or has population frequency not consistent with disease.

Breakthrough Genomics
Classification: Benign. Review status: criteria provided, single submitter. Criteria: ACMG Guidelines, 2015. Collection method: not provided. Allele origin: germline. Inheritance: Autosomal recessive inheritance. Affected: yes.

NM_021100.5(NFS1):c.1221-214A>G

Gene: NFS1 (NFS1 cysteine desulfurase; minus strand). Cytogenetic location: 20q11.22.
Variant type: single nucleotide variant.
Coding change: c.1221-214A>G on transcript NM_021100.5 (MANE Select); 214 bases into the intron before coding-DNA position 1221, A replaced by G.
Molecular consequence: intron variant.
Genome position (GRCh38, 1-based): chr20:35,673,058, T>C on the plus strand (A>G on the coding strand, the complement: NFS1 is on the minus strand). VCF-style: chr20-35673058-T-C. GRCh37 (hg19) VCF-style: chr20-34260980-T-C.
Other names: c.1068-214A>G (NM_001198989.2).
Identifiers: ClinVar variation 671484 (VCV000671484.2), dbSNP rs112521373, ClinGen allele CA14828677.